The following is an entry in ClinVar:

ClinVar aggregate classification (germline): Likely pathogenic (1 of 4 stars; one submission).

Submission:

CeGaT Center for Human Genetics Tuebingen
Classification: Likely pathogenic. Last evaluated: 2022-10-01. Review status: criteria provided, single submitter. Criteria: CeGaT Center For Human Genetics Tuebingen Variant Classification Criteria Version 2. Collection method: clinical testing. Allele origin: germline. Affected: yes. Observed: 1 variant allele.
Comment: POGZ: PVS1:Strong, PM2

NM_015100.4(POGZ):c.3818del (p.Lys1273fs)

Gene: POGZ (pogo transposable element derived with ZNF domain; minus strand). Cytogenetic location: 1q21.3.
Variant type: Deletion.
Coding change: c.3818del on transcript NM_015100.4 (MANE Select); coding-DNA position 3818, one base deleted (A; older notation c.3818delA).
Protein change: p.Lys1273fs; shifts the reading frame from lysine 1273.
Molecular consequence: frameshift variant.
Genome position (GRCh38, 1-based): chr1:151,405,217, T deleted on the plus strand (A on the coding strand, the reverse complement: POGZ is on the minus strand); the first of 2 consecutive T bases (chr1:151,405,217-151,405,218); deleting either gives the same sequence. VCF-style (leftmost placement, unchanged base first): chr1-151405216-CT-C. GRCh37 (hg19) VCF-style: chr1-151377692-CT-C.
Other names: c.3791del, p.Lys1264fs (NM_001194937.2); c.3632del, p.Lys1211fs (NM_001194938.2); c.3838delA, p.Lys1280Argfs (NM_001410860.1); c.3533del, p.Lys1178fs (NM_145796.4); c.3659del, p.Lys1220fs (NM_207171.2); short protein forms K1178fs, K1211fs, K1220fs, K1264fs, K1273fs.
Identifiers: ClinVar variation 1879092 (VCV001879092.29), dbSNP rs2529196327, ClinGen allele CA2580061013.